The following is an entry in ClinVar:

NM_003664.5(AP3B1):c.280-28T>C

Gene: AP3B1 (adaptor related protein complex 3 subunit beta 1; minus strand). Cytogenetic location: 5q14.1.
Variant type: single nucleotide variant.
Coding change: c.280-28T>C on transcript NM_003664.5 (MANE Select); 28 bases into the intron before coding-DNA position 280, T replaced by C.
Molecular consequence: intron variant.
Genome position (GRCh38, 1-based): chr5:78,228,267, A>G on the plus strand (T>C on the coding strand, the complement: AP3B1 is on the minus strand). VCF-style: chr5-78228267-A-G. GRCh37 (hg19) VCF-style: chr5-77524091-A-G.
Other names: c.133-28T>C (NM_001271769.2).
Identifiers: ClinVar variation 1271835 (VCV001271835.4), dbSNP rs4499809, ClinGen allele CA3317406.

ClinVar aggregate classification (germline): Benign. Review status: criteria provided, multiple submitters, no conflicts (2 of 4 stars). 3 submissions from 3 submitters: Benign (3). Last evaluated 2023-11-12.

Allele frequency attached by ClinVar (database versions not stated): gnomAD exomes 0.32480 and 0.32436; 1000 Genomes Project 0.32788; ESP Exome Variant Server 0.32931; TOPMed 0.32994; 1000 Genomes Project 30x 0.33011; gnomAD 0.33316 and 0.33465; ExAC 0.35110.
gnomAD v4.1: 501,420 of 1,538,262 alleles (33%); highest among the groups gnomAD compares: Middle Eastern, 41%; 82,772 homozygotes.

Submissions (3):

Unidad de Genómica Garrahan, Hospital de Pediatría Garrahan
Classification: Benign. Last evaluated: 2023-11-12. Review status: criteria provided, single submitter. Criteria: ACMG Guidelines, 2015. Collection method: clinical testing. Allele origin: germline. Affected: no. Observed: 49 variant alleles.
Comment: This variant is classified as Benign based on local population frequency. This variant was detected in 51% of patients studied by a panel of primary immunodeficiencies. Number of patients: 49. Only high quality variants are reported.

GeneDx
Classification: Benign. Last evaluated: 2018-11-10. Review status: criteria provided, single submitter. Criteria: GeneDx Variant Classification Process June 2021. Collection method: clinical testing. Allele origin: germline. Affected: yes.

Breakthrough Genomics
Classification: Benign. Review status: criteria provided, single submitter. Criteria: ACMG Guidelines, 2015. Collection method: not provided. Allele origin: germline. Inheritance: Autosomal recessive inheritance. Affected: yes.